The following is an entry in ClinVar:

NM_001374828.1(ARID1B):c.1282G>A (p.Ala428Thr)

Gene: ARID1B (AT-rich interaction domain 1B; plus strand). Cytogenetic location: 6q25.3.
Variant type: single nucleotide variant.
Coding change: c.1282G>A on transcript NM_001374828.1 (MANE Select); coding-DNA position 1282, G replaced by A.
Protein change: p.Ala428Thr; replaces alanine 428 with threonine.
Molecular consequence: missense variant.
Genome position (GRCh38, 1-based): chr6:156,778,962, G>A. VCF-style: chr6-156778962-G-A. GRCh37 (hg19) VCF-style: chr6-157100096-G-A.
Other names: c.1282G>A, p.Ala428Thr (NM_001371656.1, NM_001374820.1, NM_017519.3); c.1033G>A, p.Ala345Thr (NM_020732.3, NM_001346813.1); c.859G>A, p.Ala287Thr (NM_175863.2); short protein forms A287T, A345T, A428T.
Identifiers: ClinVar variation 2975606 (VCV002975606.3), dbSNP rs2546837223, ClinGen allele CA366383849.

ClinVar aggregate classification (germline): Uncertain significance (1 of 4 stars; one submission).

Submission:

Labcorp Genetics (formerly Invitae), Labcorp
Classification: Uncertain significance. Last evaluated: 2023-02-23. Review status: criteria provided, single submitter. Criteria: Invitae Variant Classification Sherloc (09022015). Collection method: clinical testing. Allele origin: germline.
Comment: In summary, the available evidence is currently insufficient to determine the role of this variant in disease. Therefore, it has been classified as a Variant of Uncertain Significance. Advanced modeling of protein sequence and biophysical properties (such as structural, functional, and spatial information, amino acid conservation, physicochemical variation, residue mobility, and thermodynamic stability) performed at Invitae indicates that this missense variant is not expected to disrupt ARID1B protein function. This variant has not been reported in the literature in individuals affected with ARID1B-related conditions. The frequency data for this variant in the population databases is considered unreliable, as metrics indicate insufficient coverage at this position in the gnomAD database. This sequence change replaces alanine, which is neutral and non-polar, with threonine, which is neutral and polar, at codon 345 of the ARID1B protein (p.Ala345Thr).